The following is an entry in ClinVar:

ClinVar aggregate classification (germline): Uncertain significance. Review status: criteria provided, multiple submitters, no conflicts (2 of 4 stars). 2 submissions from 2 submitters: Uncertain significance (2). Last evaluated 2024-06-05.

Allele frequency attached by ClinVar (database versions not stated): gnomAD exomes below 0.00001.
gnomAD v4.1: 3 of 1,312,872 alleles (0.00023%); highest among the groups gnomAD compares: South Asian, 0.0019%; no homozygotes.

Submissions (2):

Mayo Clinic Laboratories, Mayo Clinic
Classification: Uncertain significance. Last evaluated: 2024-06-05. Review status: criteria provided, single submitter. Criteria: ACMG Guidelines, 2015. Collection method: clinical testing. Allele origin: germline. Observed: 1 variant allele.
Comment: BP4

Labcorp Genetics (formerly Invitae), Labcorp
Classification: Uncertain significance. Last evaluated: 2022-01-12. Review status: criteria provided, single submitter. Criteria: Invitae Variant Classification Sherloc (09022015). Collection method: clinical testing. Allele origin: germline.
Comment: In summary, the available evidence is currently insufficient to determine the role of this variant in disease. Therefore, it has been classified as a Variant of Uncertain Significance. Algorithms developed to predict the effect of missense changes on protein structure and function output the following: SIFT: "Tolerated"; PolyPhen-2: "Benign"; Align-GVGD: "Class C0". The threonine amino acid residue is found in multiple mammalian species, which suggests that this missense change does not adversely affect protein function. This variant has not been reported in the literature in individuals affected with CTDP1-related conditions. This variant is not present in population databases (gnomAD no frequency). This sequence change replaces alanine, which is neutral and non-polar, with threonine, which is neutral and polar, at codon 20 of the CTDP1 protein (p.Ala20Thr).

NM_004715.5(CTDP1):c.58G>A (p.Ala20Thr)

Gene: CTDP1 (CTD phosphatase subunit 1; plus strand). Cytogenetic location: 18q23.
Variant type: single nucleotide variant.
Coding change: c.58G>A on transcript NM_004715.5 (MANE Select); coding-DNA position 58, G replaced by A.
Protein change: p.Ala20Thr; replaces alanine 20 with threonine.
Molecular consequence: missense variant.
Genome position (GRCh38, 1-based): chr18:79,680,005, G>A. VCF-style: chr18-79680005-G-A. GRCh37 (hg19) VCF-style: chr18-77440005-G-A.
Other names: p.Ala20Thr; c.58G>A, p.Ala20Thr (NM_001318511.2, NM_048368.4); short protein forms A20T.
Identifiers: ClinVar variation 2081160 (VCV002081160.5), dbSNP rs1324904727, ClinGen allele CA402824869.